The following is an entry in ClinVar:

ClinVar aggregate classification (germline): Pathogenic. Review status: criteria provided, multiple submitters, no conflicts (2 of 4 stars). 2 submissions from 2 submitters: Pathogenic (2). Last evaluated 2023-01-13.

Conditions:
Kabuki syndrome. Also called: NIIKAWA-KUROKI SYNDROME; Kabuki make-up syndrome. Identifiers: Orphanet 2322, MedGen C0796004, MONDO:0016512.
Kabuki syndrome 1 (KABUK1). Also called: KMT2D-Related Kabuki Syndrome. Identifiers: Orphanet 2322, MedGen CN030661, MONDO:0007843, OMIM 147920.

Submissions (2):

Medical Genetics Center, Maternal and Child Health Hospital of Hubei Province
Classification: Pathogenic for Kabuki syndrome 1. Last evaluated: 2023-01-13. Review status: criteria provided, single submitter. Criteria: ACMG Guidelines, 2015. Collection method: clinical testing. Allele origin: de novo. Affected: yes.
Comment: PVS1+PS2_Moderate+PM2_Supporting

Labcorp Genetics (formerly Invitae), Labcorp
Classification: Pathogenic for Kabuki syndrome. Last evaluated: 2022-11-01. Review status: criteria provided, single submitter. Criteria: Invitae Variant Classification Sherloc (09022015). Collection method: clinical testing. Allele origin: germline.
Comment: This sequence change creates a premature translational stop signal (p.Gln3956*) in the KMT2D gene. It is expected to result in an absent or disrupted protein product. Loss-of-function variants in KMT2D are known to be pathogenic (PMID: 22126750). For these reasons, this variant has been classified as Pathogenic. This variant has not been reported in the literature in individuals affected with KMT2D-related conditions. This variant is not present in population databases (gnomAD no frequency).

Literature cited by the submitters: PubMed 22126750 (cited by Labcorp Genetics (formerly Invitae), Labcorp).

NM_003482.4(KMT2D):c.11866C>T (p.Gln3956Ter)

Gene: KMT2D (lysine methyltransferase 2D; minus strand). Cytogenetic location: 12q13.12.
Variant type: single nucleotide variant.
Coding change: c.11866C>T on transcript NM_003482.4 (MANE Select); coding-DNA position 11866, C replaced by T.
Protein change: p.Gln3956Ter; replaces glutamine 3956 with a stop codon.
Molecular consequence: nonsense.
Genome position (GRCh38, 1-based): chr12:49,032,839, G>A on the plus strand (C>T on the coding strand, the complement: KMT2D is on the minus strand). VCF-style: chr12-49032839-G-A. GRCh37 (hg19) VCF-style: chr12-49426622-G-A.
Other names: short protein forms Q3956*.
Identifiers: ClinVar variation 2811394 (VCV002811394.4), dbSNP rs2120435220, ClinGen allele CA384714573.